The following is an entry in ClinVar:

ClinVar aggregate classification (germline): Uncertain significance. Review status: criteria provided, multiple submitters, no conflicts (2 of 4 stars). 2 submissions from 2 submitters: Uncertain significance (2). Last evaluated 2023-05-18.

Conditions:
Familial adenomatous polyposis 1 (FAP1). Also called: FAMILIAL ADENOMATOUS POLYPOSIS 1, ATTENUATED; POLYPOSIS, ADENOMATOUS INTESTINAL. Identifiers: MedGen C2713442, MONDO:0021056, OMIM 175100. Disease mechanism: loss of function.

Submissions (2):

Quest Diagnostics Nichols Institute San Juan Capistrano
Classification: Uncertain significance. Last evaluated: 2023-05-18. Review status: criteria provided, single submitter. Criteria: Quest Diagnostics criteria. Collection method: clinical testing. Allele origin: unknown.
Comment: To the best of our knowledge, this variant has not been reported in the published literature. It also has not been reported in large, multi-ethnic general populations (Genome Aggregation Database). Analysis of this variant using bioinformatics tools for the prediction of the effect of amino acid changes on protein structure and function yielded predictions that this variant is damaging. Additional analysis using software algorithms for the prediction of the effect of nucleotide changes on splicing yielded predictions that this variant may affect proper APC mRNA splicing . Based on the available information, we are unable to determine the clinical significance of this variant.

Labcorp Genetics (formerly Invitae), Labcorp
Classification: Uncertain significance for Familial adenomatous polyposis 1. Last evaluated: 2020-03-12. Review status: criteria provided, single submitter. Criteria: Invitae Variant Classification Sherloc (09022015). Collection method: clinical testing. Allele origin: germline.
Comment: In summary, the available evidence is currently insufficient to determine the role of this variant in disease. Therefore, it has been classified as a Variant of Uncertain Significance. Algorithms developed to predict the effect of sequence changes on RNA splicing suggest that this variant may disrupt the consensus splice site, but this prediction has not been confirmed by published transcriptional studies. Algorithms developed to predict the effect of missense changes on protein structure and function are either unavailable or do not agree on the potential impact of this missense change (SIFT: "Not Available"; PolyPhen-2: "Possibly Damaging"; Align-GVGD: "Not Available"). This variant has not been reported in the literature in individuals with APC-related conditions. This variant is not present in population databases (ExAC no frequency). This sequence change replaces proline with histidine at codon 437 of the APC protein (p.Pro437His). The proline residue is highly conserved and there is a moderate physicochemical difference between proline and histidine.

NM_000038.6(APC):c.1310_1311delinsAC (p.Pro437His)

Gene: APC (APC regulator of Wnt signaling pathway; plus strand). Cytogenetic location: 5q22.2.
Variant type: Indel.
Coding change: c.1310_1311delinsAC on transcript NM_000038.6 (MANE Select); coding-DNA positions 1310 to 1311, CA replaced by AC.
Protein change: p.Pro437His; replaces proline 437 with histidine.
Molecular consequence: missense variant.
Genome position (GRCh38, 1-based): chr5:112,819,342-112,819,343, CA replaced by AC. VCF-style: chr5-112819342-CA-AC. GRCh37 (hg19) VCF-style: chr5-112155039-CA-AC.
Other names: c.1310_1311delinsAC, p.Pro437His (NM_001127510.3, NM_001354895.2, NM_001354896.2); c.1256_1257delinsAC, p.Pro419His (NM_001127511.3); c.1340_1341delinsAC, p.Pro447His (NM_001354897.2); c.1235_1236delinsAC, p.Pro412His (NM_001354898.2); c.1226_1227delinsAC, p.Pro409His (NM_001354899.2); c.1133_1134delinsAC, p.Pro378His (NM_001354900.2, NM_001354901.2); c.1037_1038delinsAC, p.Pro346His (NM_001354902.2); c.1007_1008delinsAC, p.Pro336His (NM_001354903.2); and 4 more; short protein forms P154H, P277H, P311H, P336H, P346H, P378H, P409H, P412H.
Identifiers: ClinVar variation 1058367 (VCV001058367.8), dbSNP rs2149784211, ClinGen allele CA2499217428.
Genomic context (GRCh38, chr5:112,819,342, plus strand): 5'-GTGAAACCTGTTGGGAGTGGCAGGAAGCTCATGAACCAGGCATGGACCAGGACAAAAATC[CA>AC]AGTATGTTCTCTATAGTGTACATCGTAGTGCATGTTTCAAAGCAAATGTGAAATTTTTAA-3'
Protein context (NP_000029.2, residues 427-447): HEPGMDQDKN[Pro437His]MPAPVEHQIC